The following is an entry in ClinVar:

NM_005506.4(SCARB2):c.1239+14C>T

Gene: SCARB2 (scavenger receptor class B member 2; minus strand). Cytogenetic location: 4q21.1.
Variant type: single nucleotide variant.
Coding change: c.1239+14C>T on transcript NM_005506.4 (MANE Select); 14 bases into the intron after coding-DNA position 1239, C replaced by T.
Molecular consequence: intron variant.
Genome position (GRCh38, 1-based): chr4:76,166,236, G>A on the plus strand (C>T on the coding strand, the complement: SCARB2 is on the minus strand). VCF-style: chr4-76166236-G-A. GRCh37 (hg19) VCF-style: chr4-77087389-G-A.
Other names: c.810+14C>T (NM_001204255.2).
Identifiers: ClinVar variation 138969 (VCV000138969.25), dbSNP rs143699909, ClinGen allele CA293154.

ClinVar aggregate classification (germline): Benign/Likely benign. Review status: criteria provided, multiple submitters, no conflicts (2 of 4 stars). 5 submissions from 5 submitters: Benign (3); Likely benign (2). Last evaluated 2026-02-02.

Conditions:
Progressive myoclonic epilepsy. Also called: Familial progressive myoclonic epilepsy; Myoclonic Epilepsies, Progressive; Myoclonus epilepsy; Progressive myoclonus epilepsy. Identifiers: Orphanet 308, Orphanet 98261, MedGen C0751778, MONDO:0020074.
Action myoclonus-renal failure syndrome. Also called: EPILEPSY, PROGRESSIVE MYOCLONIC, 4, WITH RENAL FAILURE; EPILEPSY, PROGRESSIVE MYOCLONIC, 4, WITHOUT RENAL FAILURE; MYOCLONUS-NEPHROPATHY SYNDROME; SCARB2-Related Action Myoclonus-Renal Failure Syndrome. Identifiers: Orphanet 163696, MedGen C0751779, MeSH D020191, MONDO:0009699, OMIM 254900.

Allele frequency attached by ClinVar (database versions not stated): 1000 Genomes Project 0.00359; 1000 Genomes Project 30x 0.00359; TOPMed 0.00428; gnomAD 0.00432 and 0.00438; gnomAD exomes 0.00442 and 0.00644; ExAC 0.00467; ESP Exome Variant Server 0.00507.
gnomAD v4.1: 9,987 of 1,613,662 alleles (0.62%); highest among the groups gnomAD compares: Non-Finnish European, 0.72%; 43 homozygotes.

Submissions (5):

Labcorp Genetics (formerly Invitae), Labcorp
Classification: Benign for Progressive myoclonic epilepsy. Last evaluated: 2026-02-02. Review status: criteria provided, single submitter. Criteria: Invitae Variant Classification Sherloc (09022015). Collection method: clinical testing. Allele origin: germline.

CeGaT Center for Human Genetics Tuebingen
Classification: Likely benign. Last evaluated: 2025-10-01. Review status: criteria provided, single submitter. Criteria: CeGaT Center For Human Genetics Tuebingen Variant Classification Criteria Version 2. Collection method: clinical testing. Allele origin: germline. Affected: yes. Observed: 3 variant alleles.
Comment: SCARB2: BS2

Blueprint Genetics
Classification: Likely benign. Last evaluated: 2024-11-25. Review status: criteria provided, single submitter. Criteria: ACMG Guidelines, 2015. Collection method: clinical testing. Allele origin: germline.

Fulgent Genetics
Classification: Benign for Action myoclonus-renal failure syndrome. Last evaluated: 2021-07-27. Review status: criteria provided, single submitter. Criteria: ACMG Guidelines, 2015. Collection method: clinical testing. Allele origin: unknown.

GeneDx
Classification: Benign. Last evaluated: 2014-01-23. Review status: criteria provided, single submitter. Criteria: GeneDx Variant Classification (06012015). Collection method: clinical testing. Allele origin: germline. Affected: yes.
Comment: This variant is considered likely benign or benign based on one or more of the following criteria: it is a conservative change, it occurs at a poorly conserved position in the protein, it is predicted to be benign by multiple in silico algorithms, and/or has population frequency not consistent with disease.